The following is an entry in ClinVar:

ClinVar aggregate classification (germline): Likely benign (0 of 4 stars; one submission).

Conditions:
MUC16-related disorder. Also called: MUC16-related condition.

Allele frequency attached by ClinVar (database versions not stated): 1000 Genomes Project 30x 0.00094; 1000 Genomes Project 0.00100; gnomAD 0.00270; TOPMed 0.00303; ExAC 0.00309; gnomAD exomes 0.00379.

Submission:

PreventionGenetics, part of Exact Sciences
Classification: Likely benign for MUC16-related condition. Last evaluated: 2022-02-22. Review status: no assertion criteria provided. Collection method: clinical testing. Allele origin: germline.
Comment: This variant is classified as likely benign based on ACMG/AMP sequence variant interpretation guidelines (Richards et al. 2015 PMID: 25741868, with internal and published modifications).

NM_001401501.2(MUC16):c.37958T>C (p.Leu12653Pro)

Gene: MUC16 (mucin 16, cell surface associated; minus strand). Cytogenetic location: 19p13.2.
Variant type: single nucleotide variant.
Coding change: c.37958T>C on transcript NM_001401501.2 (MANE Select); coding-DNA position 37958, T replaced by C.
Protein change: p.Leu12653Pro; replaces leucine 12653 with proline.
Molecular consequence: missense variant.
Genome position (GRCh38, 1-based): chr19:8,907,490, A>G on the plus strand (T>C on the coding strand, the complement: MUC16 is on the minus strand). VCF-style: chr19-8907490-A-G. GRCh37 (hg19) VCF-style: chr19-9018166-A-G.
Other names: c.38384T>C, p.Leu12795Pro (NM_001414686.1); c.37838T>C, p.Leu12613Pro (NM_001414687.1); c.37772T>C, p.Leu12591Pro (NM_024690.2); short protein forms L12591P, L12613P, L12653P, L12795P.
Identifiers: ClinVar variation 3034473 (VCV003034473.2), dbSNP rs202157654, ClinGen allele CA9164948.